The following is an entry in ClinVar:

NM_020314.7(VPS35L):c.2161C>T (p.Arg721Cys)

Gene: VPS35L (VPS35 endosomal protein sorting factor like; plus strand). Cytogenetic location: 16p12.3.
Variant type: single nucleotide variant.
Coding change: c.2161C>T on transcript NM_020314.7 (MANE Select); coding-DNA position 2161, C replaced by T.
Protein change: p.Arg721Cys; replaces arginine 721 with cysteine.
Molecular consequence: missense variant. On other transcripts: non-coding transcript variant (2).
Genome position (GRCh38, 1-based): chr16:19,652,030, C>T. VCF-style: chr16-19652030-C-T. GRCh37 (hg19) VCF-style: chr16-19663352-C-T.
Other names: c.1882C>T, p.Arg628Cys (NM_001300743.3); c.2083C>T, p.Arg695Cys (NM_001365293.2); c.1960C>T, p.Arg654Cys (NM_001365294.2); c.1273C>T, p.Arg425Cys (NM_001365295.2); short protein forms R425C, R628C, R654C, R695C, R721C.
Identifiers: ClinVar variation 2631580 (VCV002631580.1), dbSNP rs200153962, ClinGen allele CA7936839.

ClinVar aggregate classification (germline): Uncertain significance (1 of 4 stars; one submission).

Conditions:
VPS35L-related disorder. Also called: VPS35L-related condition.

Allele frequency attached by ClinVar (database versions not stated): gnomAD exomes 0.00003; gnomAD 0.00004; ExAC 0.00006; TOPMed 0.00007; ESP Exome Variant Server 0.00008.
gnomAD v4.1: 49 of 1,613,482 alleles (0.003%); highest among the groups gnomAD compares: Admixed American, 0.012%; no homozygotes.

Submission:

PreventionGenetics, part of Exact Sciences
Classification: Uncertain significance for VPS35L-related condition. Last evaluated: 2023-06-26. Review status: criteria provided, single submitter. Criteria: ACMG Guidelines, 2015. Collection method: clinical testing. Allele origin: germline.
Comment: The VPS35L c.2428C>T variant is predicted to result in the amino acid substitution p.Arg810Cys. To our knowledge, this variant has not been reported in the literature. This variant is reported in 0.017% of alleles in individuals of Latino descent in gnomAD. At this time, the clinical significance of this variant is uncertain due to the absence of conclusive functional and genetic evidence.